The following is an entry in ClinVar:

ClinVar aggregate classification (germline): Benign/Likely benign. Review status: criteria provided, multiple submitters, no conflicts (2 of 4 stars). 3 submissions from 3 submitters: Benign (1); Likely benign (2). Last evaluated 2026-09-01.

Submissions (3):

CeGaT Center for Human Genetics Tuebingen
Classification: Benign. Last evaluated: 2026-09-01. Review status: criteria provided, single submitter. Criteria: CeGaT Center For Human Genetics Tuebingen Variant Classification Criteria Version 2. Collection method: clinical testing. Allele origin: germline. Affected: yes. Observed: 11 variant alleles.
Comment: KMT2C: BP4, BS1, BS2

Blueprint Genetics
Classification: Likely benign. Last evaluated: 2024-11-14. Review status: criteria provided, single submitter. Criteria: ACMG Guidelines, 2015. Collection method: clinical testing. Allele origin: germline.

Labcorp Genetics (formerly Invitae), Labcorp
Classification: Likely benign. Last evaluated: 2024-09-12. Review status: criteria provided, single submitter. Criteria: Invitae Variant Classification Sherloc (09022015). Collection method: clinical testing. Allele origin: germline.

NM_170606.3(KMT2C):c.7443-6_7443-5insTTTTTTTTTTA

Gene: KMT2C (lysine methyltransferase 2C; minus strand). Cytogenetic location: 7q36.1.
Variant type: Insertion.
Coding change: c.7443-6_7443-5insTTTTTTTTTTA on transcript NM_170606.3 (MANE Select); 6 bases into the intron before coding-DNA position 7443 through 5 bases into the intron before coding-DNA position 7443, TTTTTTTTTTA inserted.
Molecular consequence: intron variant.
Genome position: GRCh38 VCF-style: chr7-152178015-T-TTAAAAAAAAAA. GRCh37 (hg19) VCF-style: chr7-151875100-T-TTAAAAAAAAAA.
Identifiers: ClinVar variation 2583054 (VCV002583054.29), dbSNP rs1491309235, ClinGen allele CA458688614.